The following is an entry in ClinVar:

NM_001291867.2(NHS):c.2657G>C (p.Arg886Thr)

Gene: NHS (NHS actin remodeling regulator; plus strand). Cytogenetic location: Xp22.13.
Variant type: single nucleotide variant.
Coding change: c.2657G>C on transcript NM_001291867.2 (MANE Select); coding-DNA position 2657, G replaced by C.
Protein change: p.Arg886Thr; replaces arginine 886 with threonine.
Molecular consequence: missense variant.
Genome position (GRCh38, 1-based): chrX:17,726,763, G>C. VCF-style: chrX-17726763-G-C. GRCh37 (hg19) VCF-style: chrX-17744883-G-C.
Other names: c.2126G>C, p.Arg709Thr (NM_001136024.4); c.2063G>C, p.Arg688Thr (NM_001291868.2); c.2318G>C, p.Arg773Thr (NM_001440780.1); c.2594G>C, p.Arg865Thr (NM_198270.4); short protein forms R688T, R709T, R773T, R865T, R886T.
Identifiers: ClinVar variation 4976238 (VCV004976238.1).

ClinVar aggregate classification (germline): Uncertain significance (1 of 4 stars; one submission).

gnomAD v4.1: 3 of 1,212,007 alleles (0.00025%); highest among the groups gnomAD compares: Non-Finnish European, 0.00033%; no homozygotes.

Submission:

GeneDx
Classification: Uncertain significance. Last evaluated: 2026-02-07. Review status: criteria provided, single submitter. Criteria: GeneDx Variant Classification Process June 2021. Collection method: clinical testing. Allele origin: germline.
Comment: Not observed at significant frequency in large population cohorts (gnomAD); In silico analysis suggests that this missense variant does not alter protein structure/function; Has not been previously published as pathogenic or benign to our knowledge